The following is an entry in ClinVar:

NM_031844.3(HNRNPU):c.2248G>A (p.Gly750Ser)

Gene: HNRNPU (heterogeneous nuclear ribonucleoprotein U; minus strand). Cytogenetic location: 1q44.
Variant type: single nucleotide variant.
Coding change: c.2248G>A on transcript NM_031844.3 (MANE Select); coding-DNA position 2248, G replaced by A.
Protein change: p.Gly750Ser; replaces glycine 750 with serine.
Molecular consequence: missense variant.
Genome position (GRCh38, 1-based): chr1:244,855,528, C>T on the plus strand (G>A on the coding strand, the complement: HNRNPU is on the minus strand). VCF-style: chr1-244855528-C-T. GRCh37 (hg19) VCF-style: chr1-245018830-C-T.
Other names: c.2191G>A, p.Gly731Ser (NM_004501.3); short protein forms G750S, G731S.
Identifiers: ClinVar variation 446397 (VCV000446397.17), dbSNP rs1360721056, ClinGen allele CA345487022.

ClinVar aggregate classification (germline): Conflicting classifications of pathogenicity. Review status: criteria provided, conflicting classifications (1 of 4 stars). 3 submissions from 3 submitters: Uncertain significance (2); Likely benign (1). Last evaluated 2024-12-07.

Conditions:
Inborn genetic diseases. Identifiers: MedGen C0950123, MeSH D030342.
Developmental and epileptic encephalopathy, 54. Also called: HNRNPU-Related Neurodevelopmental Disorder; Epileptic encephalopathy, early infantile, 54. Identifiers: MedGen C4479319, MONDO:0033363, OMIM 617391.

Allele frequency attached by ClinVar (database versions not stated): gnomAD exomes below 0.00001 and 0.00001; gnomAD 0.00001; TOPMed 0.00001.

Submissions (3):

Labcorp Genetics (formerly Invitae), Labcorp
Classification: Likely benign for Developmental and epileptic encephalopathy, 54. Last evaluated: 2024-12-07. Review status: criteria provided, single submitter. Criteria: Invitae Variant Classification Sherloc (09022015). Collection method: clinical testing. Allele origin: germline.

New York Genome Center
Classification: Uncertain significance for Developmental and epileptic encephalopathy, 54. Last evaluated: 2021-04-02. Review status: criteria provided, single submitter. Criteria: NYGC Assertion Criteria 2020. Collection method: clinical testing. Allele origin: inherited. Observed: 1 heterozygote. Study: CSER-NYCKidSeq.

Ambry Genetics
Classification: Uncertain significance for Inborn genetic diseases. Last evaluated: 2019-04-16. Review status: criteria provided, single submitter. Criteria: Ambry Variant Classification Scheme 2023. Collection method: clinical testing. Allele origin: germline.
Comment: The p.G750S variant (also known as c.2248G>A), located in coding exon 12 of the HNRNPU gene, results from a G to A substitution at nucleotide position 2248. The glycine at codon 750 is replaced by serine, an amino acid with similar properties. This amino acid position is highly conserved in available vertebrate species. In addition, this alteration is predicted to be tolerated by in silico analysis. Since supporting evidence is limited at this time, the clinical significance of this alteration remains unclear.